The following is an entry in ClinVar:

ClinVar aggregate classification (germline): Uncertain significance (1 of 4 stars; one submission).

Submission:

GeneDx
Classification: Uncertain significance. Last evaluated: 2022-05-27. Review status: criteria provided, single submitter. Criteria: GeneDx Variant Classification Process June 2021. Collection method: clinical testing. Allele origin: germline. Affected: yes.
Comment: Not observed at significant frequency in large population cohorts (gnomAD); In silico analysis supports that this missense variant does not alter protein structure/function; Has not been previously published as pathogenic or benign to our knowledge

NM_017780.4(CHD7):c.879T>A (p.Ser293Arg)

Gene: CHD7 (chromodomain helicase DNA binding protein 7; plus strand). Cytogenetic location: 8q12.2.
Variant type: single nucleotide variant.
Coding change: c.879T>A on transcript NM_017780.4 (MANE Select); coding-DNA position 879, T replaced by A.
Protein change: p.Ser293Arg; replaces serine 293 with arginine.
Molecular consequence: missense variant.
Genome position (GRCh38, 1-based): chr8:60,742,311, T>A. VCF-style: chr8-60742311-T-A. GRCh37 (hg19) VCF-style: chr8-61654870-T-A.
Other names: c.879T>A, p.Ser293Arg (NM_001316690.1); short protein forms S293R.
Identifiers: ClinVar variation 1800980 (VCV001800980.1), dbSNP rs1809079592, ClinGen allele CA371299854.